The following is an entry in ClinVar:

NM_001387430.1(SH2B1):c.353C>T (p.Ala118Val)

Gene: SH2B1 (SH2B adaptor protein 1; plus strand). Cytogenetic location: 16p11.2.
Variant type: single nucleotide variant.
Coding change: c.353C>T on transcript NM_001387430.1 (MANE Select); coding-DNA position 353, C replaced by T.
Protein change: p.Ala118Val; replaces alanine 118 with valine.
Molecular consequence: missense variant. On other transcripts: intron variant (1).
Genome position (GRCh38, 1-based): chr16:28,866,447, C>T. VCF-style: chr16-28866447-C-T. GRCh37 (hg19) VCF-style: chr16-28877768-C-T.
Other names: c.353C>T (NM_001145795.1); c.353C>T, p.Ala118Val (NM_001145795.2, NM_001145796.2, NM_001145797.2 and 4 more transcripts); c.-26-927C>T (NM_001308294.2); short protein forms A118V.
Identifiers: ClinVar variation 2919598 (VCV002919598.5), dbSNP rs374431932, ClinGen allele CA7985902.

ClinVar aggregate classification (germline): Uncertain significance. Review status: criteria provided, single submitter (1 of 4 stars). 2 submissions from 2 submitters: Uncertain significance (1). 1 of the submissions does not count toward it. Last evaluated 2023-07-21.

Conditions:
SH2B1-related disorder. Also called: SH2B1-related condition.

Allele frequency attached by ClinVar (database versions not stated): gnomAD 0.00003; ESP Exome Variant Server 0.00008.

Submissions (2):

Labcorp Genetics (formerly Invitae), Labcorp
Classification: Uncertain significance. Last evaluated: 2023-07-21. Review status: criteria provided, single submitter. Criteria: Invitae Variant Classification Sherloc (09022015). Collection method: clinical testing. Allele origin: germline.
Comment: This variant has not been reported in the literature in individuals affected with SH2B1-related conditions. This variant is present in population databases (rs374431932, gnomAD 0.02%). This sequence change replaces alanine, which is neutral and non-polar, with valine, which is neutral and non-polar, at codon 118 of the SH2B1 protein (p.Ala118Val). An algorithm developed to predict the effect of missense changes on protein structure and function (PolyPhen-2) suggests that this variant is likely to be tolerated. In summary, the available evidence is currently insufficient to determine the role of this variant in disease. Therefore, it has been classified as a Variant of Uncertain Significance.

PreventionGenetics, part of Exact Sciences
Classification: Uncertain significance for SH2B1-related condition. Last evaluated: 2024-02-09. Review status: no assertion criteria provided. Collection method: clinical testing. Allele origin: germline. Not counted in ClinVar's aggregate classification.
Comment: The SH2B1 c.353C>T variant is predicted to result in the amino acid substitution p.Ala118Val. To our knowledge, this variant has not been reported in the literature. This variant is reported in 0.022% of alleles in individuals of European (Non-Finnish) descent in gnomAD. At this time, the clinical significance of this variant is uncertain due to the absence of conclusive functional and genetic evidence.